The following is an entry in ClinVar:

NM_138694.4(PKHD1):c.7350+1G>T

Gene: PKHD1 (PKHD1 ciliary IPT domain containing fibrocystin/polyductin; minus strand). Cytogenetic location: 6p12.2.
Variant type: single nucleotide variant.
Coding change: c.7350+1G>T on transcript NM_138694.4 (MANE Select); the canonical splice donor site of the intron after coding-DNA position 7350, G replaced by T.
Molecular consequence: splice donor variant.
Genome position (GRCh38, 1-based): chr6:51,883,092, C>A on the plus strand (G>T on the coding strand, the complement: PKHD1 is on the minus strand). VCF-style: chr6-51883092-C-A. GRCh37 (hg19) VCF-style: chr6-51747890-C-A.
Other names: c.7350+1G>T (NM_170724.3).
Identifiers: ClinVar variation 370559 (VCV000370559.13), dbSNP rs1057516588, ClinGen allele CA16041042.

ClinVar aggregate classification (germline): Likely pathogenic. Review status: criteria provided, multiple submitters, no conflicts (2 of 4 stars). 5 submissions from 5 submitters: Likely pathogenic (4). 1 of the submissions does not count toward it. Last evaluated 2025-03-31.

Conditions:
Polycystic kidney disease 4 (PKD4). Also called: POLYCYSTIC KIDNEY AND HEPATIC DISEASE 1; POLYCYSTIC KIDNEY DISEASE, INFANTILE, TYPE I; POLYCYSTIC KIDNEY DISEASE 4 WITH OR WITHOUT POLYCYSTIC LIVER DISEASE; PKD3; Autosomal Recessive Polycystic Kidney Disease – PKHD1. Identifiers: MedGen C4540575, MONDO:0033004, OMIM 263200.
Autosomal recessive polycystic kidney disease (ARPKD). Also called: AR polycystic kidney disease. Identifiers: Orphanet 731, Orphanet 8378, MedGen C0085548, MeSH D017044, MONDO:0009889.

Allele frequency attached by ClinVar (database versions not stated): gnomAD exomes below 0.00001.
gnomAD v4.1: 3 of 1,612,862 alleles (0.00019%); highest among the groups gnomAD compares: South Asian, 0.0033%; no homozygotes.

Submissions (5):

Natera, Inc.
Classification: Likely pathogenic for Autosomal recessive polycystic kidney disease. Last evaluated: 2025-03-31. Review status: criteria provided, single submitter. Criteria: Natera Variant Classification Schema (03/2026). Collection method: clinical testing. Allele origin: germline.
Comment: The c.7350+1G>T variant in PKHD1 is a canonical splice donor site variant predicted to affect pre-mRNA splicing, which may result in an abnormal transcript and altered protein product. This variant is expected to result in nonsense mediated decay, truncation, or a dysfunctional protein product. This variant is rare in the general population with a frequency below the threshold expected for the associated phenotype(s). Given the available evidence, this variant is classified as Likely Pathogenic.

Baylor Genetics
Classification: Likely pathogenic for Polycystic kidney disease 4. Last evaluated: 2024-01-19. Review status: criteria provided, single submitter. Criteria: ACMG Guidelines, 2015. Collection method: clinical testing. Allele origin: unknown.

Fulgent Genetics
Classification: Likely pathogenic for Polycystic kidney disease 4. Last evaluated: 2022-05-18. Review status: criteria provided, single submitter. Criteria: ACMG Guidelines, 2015. Collection method: clinical testing. Allele origin: unknown.

Labcorp Genetics (formerly Invitae), Labcorp
Classification: Likely pathogenic for Autosomal recessive polycystic kidney disease. Last evaluated: 2021-07-29. Review status: criteria provided, single submitter. Criteria: Invitae Variant Classification Sherloc (09022015). Collection method: clinical testing. Allele origin: germline.
Comment: Algorithms developed to predict the effect of sequence changes on RNA splicing suggest that this variant may disrupt the consensus splice site, but this prediction has not been confirmed by published transcriptional studies. This variant has not been reported in the literature in individuals with PKHD1-related conditions. ClinVar contains an entry for this variant (Variation ID: 370559). This variant is not present in population databases (ExAC no frequency). This sequence change affects a donor splice site in intron 46 of the PKHD1 gene. It is expected to disrupt RNA splicing and likely results in an absent or disrupted protein product. Donor and acceptor splice site variants typically lead to a loss of protein function (PMID: 16199547), and loss-of-function variants in PKHD1 are known to be pathogenic (PMID: 19940839). In summary, the currently available evidence indicates that the variant is pathogenic, but additional data are needed to prove that conclusively. Therefore, this variant has been classified as Likely Pathogenic.

Counsyl
Classification: Likely pathogenic for Polycystic kidney disease 4. Last evaluated: 2016-03-01. Review status: no assertion criteria provided. Collection method: clinical testing. Allele origin: unknown. Not counted in ClinVar's aggregate classification.

Literature cited by the submitters: PubMed 16199547 (cited by Labcorp Genetics (formerly Invitae), Labcorp); PubMed 19940839 (cited by Labcorp Genetics (formerly Invitae), Labcorp).